The following is an entry in ClinVar:

NM_001042492.3(NF1):c.58C>G (p.Gln20Glu)

Genes: MIR4733HG (MIR4733 host gene; minus strand), NF1 (neurofibromin 1; plus strand), LOC111811965 (NF1 (neurofibromin 1) promoter region; plus strand). Cytogenetic location: 17q11.2.
Variant type: single nucleotide variant.
Coding change: c.58C>G on transcript NM_001042492.3 (MANE Select); coding-DNA position 58, C replaced by G.
Protein change: p.Gln20Glu; replaces glutamine 20 with glutamic acid.
Molecular consequence: missense variant. On other transcripts: non-coding transcript variant (1).
Genome position (GRCh38, 1-based): chr17:31,095,367, C>G. VCF-style: chr17-31095367-C-G. GRCh37 (hg19) VCF-style: chr17-29422385-C-G.
Other names: c.58C>G, p.Gln20Glu (NM_000267.4, NM_001128147.3); short protein forms Q20E.
Identifiers: ClinVar variation 955226 (VCV000955226.8), dbSNP rs1567786905, ClinGen allele CA398979430.

ClinVar aggregate classification (germline): Uncertain significance. Review status: criteria provided, multiple submitters, no conflicts (2 of 4 stars). 2 submissions from 2 submitters: Uncertain significance (2). Last evaluated 2025-07-23.

Conditions:
Cardiovascular phenotype. Identifiers: MedGen CN230736.
Hereditary cancer-predisposing syndrome. Also called: Hereditary neoplastic syndrome; Tumor predisposition; Neoplastic Syndromes, Hereditary; Hereditary Cancer Syndrome. Identifiers: Orphanet 140162, MedGen C0027672, MeSH D009386, MONDO:0015356.
Neurofibromatosis, type 1 (NF1). Also called: VON RECKLINGHAUSEN DISEASE; NEUROFIBROMATOSIS, TYPE I, SOMATIC; Peripheral type neurofibromatosis; Neurofibromatosis, type I. Identifiers: Orphanet 636, MedGen C0027831, MONDO:0018975, OMIM 162200. Disease mechanism: loss of function.

Submissions (2):

Labcorp Genetics (formerly Invitae), Labcorp
Classification: Uncertain significance for Neurofibromatosis, type 1. Last evaluated: 2025-07-23. Review status: criteria provided, single submitter. Criteria: Invitae Variant Classification Sherloc (09022015). Collection method: clinical testing. Allele origin: germline.
Comment: This sequence change replaces glutamine, which is neutral and polar, with glutamic acid, which is acidic and polar, at codon 20 of the NF1 protein (p.Gln20Glu). This variant is not present in population databases (gnomAD no frequency). This variant has not been reported in the literature in individuals affected with NF1-related conditions. ClinVar contains an entry for this variant (Variation ID: 955226). An algorithm developed to predict the effect of missense changes on protein structure and function (PolyPhen-2) suggests that this variant is likely to be tolerated. This variant disrupts the p.Gln20 amino acid residue in NF1. Other variant(s) that disrupt this residue have been determined to be pathogenic (PMID: 31370276; internal data). This suggests that this residue is clinically significant, and that variants that disrupt this residue are likely to be disease-causing. In summary, the available evidence is currently insufficient to determine the role of this variant in disease. Therefore, it has been classified as a Variant of Uncertain Significance.

Ambry Genetics
Classification: Uncertain significance for Cardiovascular phenotype; Hereditary cancer-predisposing syndrome. Last evaluated: 2021-05-11. Review status: criteria provided, single submitter. Criteria: Ambry Variant Classification Scheme 2023. Collection method: clinical testing. Allele origin: germline.
Comment: The p.Q20E variant (also known as c.58C>G), located in coding exon 1 of the NF1 gene, results from a C to G substitution at nucleotide position 58. The glutamine at codon 20 is replaced by glutamic acid, an amino acid with highly similar properties. This amino acid position is highly conserved in available vertebrate species. In addition, this alteration is predicted to be tolerated by in silico analysis. Since supporting evidence is limited at this time, the clinical significance of this alteration remains unclear.

Literature cited by the submitters: PubMed 31370276 (cited by Labcorp Genetics (formerly Invitae), Labcorp).